The following is an entry in ClinVar:

NM_001843.4(CNTN1):c.873T>A (p.Ser291=)

Gene: CNTN1 (contactin 1; plus strand). Cytogenetic location: 12q12.
Variant type: single nucleotide variant.
Coding change: c.873T>A on transcript NM_001843.4 (MANE Select); coding-DNA position 873, T replaced by A.
Protein change: p.Ser291=; no amino-acid change (serine 291 retained).
Molecular consequence: synonymous variant.
Genome position (GRCh38, 1-based): chr12:40,933,766, T>A. VCF-style: chr12-40933766-T-A. GRCh37 (hg19) VCF-style: chr12-41327568-T-A.
Other names: c.873T>A, p.Ser291= (NM_001256063.2, NM_001256064.2); c.840T>A, p.Ser280= (NM_175038.2).
Identifiers: ClinVar variation 1169566 (VCV001169566.38), dbSNP rs200022020, ClinGen allele CA6516734.

ClinVar aggregate classification (germline): Benign/Likely benign. Review status: criteria provided, multiple submitters, no conflicts (2 of 4 stars). 5 submissions from 5 submitters: Benign (1); Likely benign (3). 1 of the submissions does not count toward it. Last evaluated 2024-12-07.

Conditions:
Compton-North congenital myopathy (CMYO12). Identifiers: Orphanet 210163, MedGen C2675527, MONDO:0012929, OMIM 612540.
CNTN1-related disorder. Also called: CNTN1-related condition.

Allele frequency attached by ClinVar (database versions not stated): TOPMed 0.00005; gnomAD 0.00011; gnomAD exomes 0.00026 and 0.00047; 1000 Genomes Project 30x 0.00031; 1000 Genomes Project 0.00040; ExAC 0.00056.
gnomAD v4.1: 385 of 1,612,626 alleles (0.024%); highest among the groups gnomAD compares: South Asian, 0.41%; 4 homozygotes.

Submissions (5):

Labcorp Genetics (formerly Invitae), Labcorp
Classification: Benign for Compton-North congenital myopathy. Last evaluated: 2024-12-07. Review status: criteria provided, single submitter. Criteria: Invitae Variant Classification Sherloc (09022015). Collection method: clinical testing. Allele origin: germline.

Blueprint Genetics
Classification: Likely benign. Last evaluated: 2024-11-19. Review status: criteria provided, single submitter. Criteria: ACMG Guidelines, 2015. Collection method: clinical testing. Allele origin: germline.

CeGaT Center for Human Genetics Tuebingen
Classification: Likely benign. Last evaluated: 2022-10-01. Review status: criteria provided, single submitter. Criteria: CeGaT Center For Human Genetics Tuebingen Variant Classification Criteria Version 2. Collection method: clinical testing. Allele origin: germline. Affected: yes. Observed: 1 variant allele.
Comment: CNTN1: BP4, BP7

GeneDx
Classification: Likely benign. Last evaluated: 2019-12-05. Review status: criteria provided, single submitter. Criteria: GeneDx Variant Classification Process June 2021. Collection method: clinical testing. Allele origin: germline. Affected: yes.

PreventionGenetics, part of Exact Sciences
Classification: Likely benign for CNTN1-related condition. Last evaluated: 2024-01-29. Review status: no assertion criteria provided. Collection method: clinical testing. Allele origin: germline. Not counted in ClinVar's aggregate classification.
Comment: This variant is classified as likely benign based on ACMG/AMP sequence variant interpretation guidelines (Richards et al. 2015 PMID: 25741868, with internal and published modifications).